The following is an entry in ClinVar:

NM_000017.4(ACADS):c.682G>A (p.Glu228Lys)

Gene: ACADS (acyl-CoA dehydrogenase short chain; plus strand). Cytogenetic location: 12q24.31.
Variant type: single nucleotide variant.
Coding change: c.682G>A on transcript NM_000017.4 (MANE Select); coding-DNA position 682, G replaced by A.
Protein change: p.Glu228Lys; replaces glutamic acid 228 with lysine.
Molecular consequence: missense variant.
Genome position (GRCh38, 1-based): chr12:120,738,337, G>A. VCF-style: chr12-120738337-G-A. GRCh37 (hg19) VCF-style: chr12-121176140-G-A.
Other names: c.670G>A, p.Glu224Lys (NM_001302554.2); short protein forms E228K, E224K.
Identifiers: ClinVar variation 549997 (VCV000549997.9), dbSNP rs755247580, ClinGen allele CA6831035.

ClinVar aggregate classification (germline): Likely pathogenic. Review status: criteria provided, multiple submitters, no conflicts (2 of 4 stars). 3 submissions from 3 submitters: Likely pathogenic (2). 1 of the submissions does not count toward it. Last evaluated 2025-05-27.

Conditions:
Deficiency of butyryl-CoA dehydrogenase (ACADSD). Also called: SCADH DEFICIENCY; Short-Chain Acyl-CoA Dehydrogenase Deficiency; ACADS DEFICIENCY; SCAD DEFICIENCY, MILD; ACYL-CoA DEHYDROGENASE, SHORT-CHAIN, DEFICIENCY OF; SCAD Deficiency. Identifiers: Orphanet 26792, MedGen C0342783, MONDO:0008722, OMIM 201470. Disease mechanism: May be benign.

Allele frequency attached by ClinVar (database versions not stated): ExAC 0.00001; gnomAD 0.00001; gnomAD exomes 0.00001 and 0.00002; TOPMed 0.00001.

Submissions (3):

Labcorp Genetics (formerly Invitae), Labcorp
Classification: Likely pathogenic for Deficiency of butyryl-CoA dehydrogenase. Last evaluated: 2025-05-27. Review status: criteria provided, single submitter. Criteria: Invitae Variant Classification Sherloc (09022015). Collection method: clinical testing. Allele origin: germline.
Comment: This sequence change replaces glutamic acid, which is acidic and polar, with lysine, which is basic and polar, at codon 228 of the ACADS protein (p.Glu228Lys). This variant is present in population databases (rs755247580, gnomAD 0.03%). This missense change has been observed in individuals with short chain acyl-CoA dehydrogenase deficiency (PMID: 27466294, 27938594, 35193651, 38187300). ClinVar contains an entry for this variant (Variation ID: 549997). Invitae Evidence Modeling of protein sequence and biophysical properties (such as structural, functional, and spatial information, amino acid conservation, physicochemical variation, residue mobility, and thermodynamic stability) has been performed for this missense variant. However, the output from this modeling did not meet the statistical confidence thresholds required to predict the impact of this variant on ACADS protein function. In summary, the currently available evidence indicates that the variant is pathogenic, but additional data are needed to prove that conclusively. Therefore, this variant has been classified as Likely Pathogenic.

Juno Genomics, Hangzhou Juno Genomics, Inc
Classification: Likely pathogenic for Deficiency of butyryl-CoA dehydrogenase. Review status: criteria provided, single submitter. Criteria: ACMG Guidelines, 2015. Collection method: clinical testing. Allele origin: germline.
Comment: Absent from controls (or at extremely low frequency if recessive) in Genome Aggregation Database.;Multiple lines of computational evidence support a deleterious effect on the gene or gene product.;For recessive disorders, detected in trans with a pathogenic variant.;Patient's phenotype or family history is highly specific for a disease with a single genetic etiology.

Counsyl
Classification: Uncertain significance for Deficiency of butyryl-CoA dehydrogenase. Last evaluated: 2017-01-31. Review status: no assertion criteria provided. Collection method: clinical testing. Allele origin: unknown. Not counted in ClinVar's aggregate classification.

Literature cited by the submitters: PubMed 27466294 (cited by Labcorp Genetics (formerly Invitae), Labcorp and Counsyl); PubMed 27938594 (cited by Labcorp Genetics (formerly Invitae), Labcorp); PubMed 35193651 (cited by Labcorp Genetics (formerly Invitae), Labcorp); PubMed 38187300 (cited by Labcorp Genetics (formerly Invitae), Labcorp).